The following is an entry in ClinVar:

NM_001024630.4(RUNX2):c.1100T>C (p.Leu367Pro)

Gene: RUNX2 (RUNX family transcription factor 2; plus strand). Cytogenetic location: 6p21.1.
Variant type: single nucleotide variant.
Coding change: c.1100T>C on transcript NM_001024630.4 (MANE Select); coding-DNA position 1100, T replaced by C.
Protein change: p.Leu367Pro; replaces leucine 367 with proline.
Molecular consequence: missense variant.
Genome position (GRCh38, 1-based): chr6:45,546,839, T>C. VCF-style: chr6-45546839-T-C. GRCh37 (hg19) VCF-style: chr6-45514576-T-C.
Other names: c.1034T>C, p.Leu345Pro (NM_001015051.4); c.992T>C, p.Leu331Pro (NM_001278478.2); c.1058T>C, p.Leu353Pro (NM_001369405.1); short protein forms L367P, L331P, L345P, L353P.
Identifiers: ClinVar variation 3667232 (VCV003667232.2).

ClinVar aggregate classification (germline): Uncertain significance (1 of 4 stars; one submission).

Submission:

Labcorp Genetics (formerly Invitae), Labcorp
Classification: Uncertain significance. Last evaluated: 2024-09-11. Review status: criteria provided, single submitter. Criteria: Invitae Variant Classification Sherloc (09022015). Collection method: clinical testing. Allele origin: germline.
Comment: This sequence change replaces leucine, which is neutral and non-polar, with proline, which is neutral and non-polar, at codon 367 of the RUNX2 protein (p.Leu367Pro). This variant is not present in population databases (gnomAD no frequency). This variant has not been reported in the literature in individuals affected with RUNX2-related conditions. Invitae Evidence Modeling of protein sequence and biophysical properties (such as structural, functional, and spatial information, amino acid conservation, physicochemical variation, residue mobility, and thermodynamic stability) indicates that this missense variant is not expected to disrupt RUNX2 protein function with a negative predictive value of 80%. In summary, the available evidence is currently insufficient to determine the role of this variant in disease. Therefore, it has been classified as a Variant of Uncertain Significance.